The following is an entry in ClinVar:

NM_003072.5(SMARCA4):c.4308G>A (p.Glu1436=)

Gene: SMARCA4 (SWI/SNF related BAF chromatin remodeling complex subunit ATPase 4; plus strand). Cytogenetic location: 19p13.2.
Variant type: single nucleotide variant.
Coding change: c.4308G>A on transcript NM_003072.5 (MANE Select); coding-DNA position 4308, G replaced by A.
Protein change: p.Glu1436=; no amino-acid change (glutamic acid 1436 retained).
Molecular consequence: synonymous variant. On other transcripts: non-coding transcript variant (1).
Genome position (GRCh38, 1-based): chr19:11,041,444, G>A. VCF-style: chr19-11041444-G-A. GRCh37 (hg19) VCF-style: chr19-11152120-G-A.
Other names: c.4308G>A, p.Glu1436= (NM_001128844.3); c.4218G>A, p.Glu1406= (NM_001128845.2, NM_001128846.2); c.4209G>A, p.Glu1403= (NM_001128847.4, NM_001128848.2, NM_001374457.1); c.4404G>A, p.Glu1468= (NM_001128849.3, NM_001387283.1).
Identifiers: ClinVar variation 238470 (VCV000238470.21), dbSNP rs878854226, ClinGen allele CA10583756.

ClinVar aggregate classification (germline): Benign/Likely benign. Review status: criteria provided, multiple submitters, no conflicts (2 of 4 stars). 6 submissions from 6 submitters: Benign (1); Likely benign (4). 1 of the submissions does not count toward it. Last evaluated 2026-07-22.

Conditions:
SMARCA4-related disorder. Also called: SMARCA4-related condition.
Hereditary cancer-predisposing syndrome. Also called: Hereditary Cancer Syndrome; Tumor predisposition; Hereditary neoplastic syndrome; Neoplastic Syndromes, Hereditary. Identifiers: Orphanet 140162, MedGen C0027672, MeSH D009386, MONDO:0015356.
Rhabdoid tumor predisposition syndrome 2 (RTPS2). Identifiers: Orphanet 231108, Orphanet 69077, MedGen C2750074, MONDO:0013224, OMIM 613325.

Allele frequency attached by ClinVar (database versions not stated): TOPMed 0.00002; gnomAD exomes below 0.00001 and 0.00001; gnomAD 0.00002 and 0.00001.
gnomAD v4.1: 16 of 1,612,572 alleles (0.00099%); highest among the groups gnomAD compares: Non-Finnish European, 0.0014%; no homozygotes.

Submissions (6):

Myriad Genetics, Inc.
Classification: Benign for Rhabdoid tumor predisposition syndrome 2. Last evaluated: 2026-07-22. Review status: criteria provided, single submitter. Criteria: Myriad Autosomal Dominant, Autosomal Recessive and X-Linked Classification Criteria (2023). Collection method: clinical testing. Allele origin: unknown.
Comment: This variant is considered benign. This variant is a silent/synonymous amino acid change and it is not expected to impact splicing.

Labcorp Genetics (formerly Invitae), Labcorp
Classification: Likely benign for Rhabdoid tumor predisposition syndrome 2. Last evaluated: 2026-01-07. Review status: criteria provided, single submitter. Criteria: Invitae Variant Classification Sherloc (09022015). Collection method: clinical testing. Allele origin: germline.

Quest Diagnostics Nichols Institute San Juan Capistrano
Classification: Likely benign. Last evaluated: 2025-03-03. Review status: criteria provided, single submitter. Criteria: Quest Diagnostics criteria. Collection method: clinical testing. Allele origin: unknown.

Sema4
Classification: Likely benign for Hereditary cancer-predisposing syndrome. Last evaluated: 2021-06-13. Review status: criteria provided, single submitter. Criteria: Sema4 Curation Guidelines. Collection method: curation. Allele origin: germline.

Ambry Genetics
Classification: Likely benign for Hereditary cancer-predisposing syndrome. Last evaluated: 2016-01-13. Review status: criteria provided, single submitter. Criteria: Ambry Variant Classification Scheme 2023. Collection method: clinical testing. Allele origin: germline.

PreventionGenetics, part of Exact Sciences
Classification: Likely benign for SMARCA4-related condition. Last evaluated: 2023-05-16. Review status: no assertion criteria provided. Collection method: clinical testing. Allele origin: germline. Not counted in ClinVar's aggregate classification.
Comment: This variant is classified as likely benign based on ACMG/AMP sequence variant interpretation guidelines (Richards et al. 2015 PMID: 25741868, with internal and published modifications).